The following is an entry in ClinVar:

NM_000116.5(TAFAZZIN):c.757C>G (p.Arg253Gly)

Gene: TAFAZZIN (tafazzin, phospholipid-lysophospholipid transacylase; plus strand). Cytogenetic location: Xq28.
Variant type: single nucleotide variant.
Coding change: c.757C>G on transcript NM_000116.5 (MANE Select); coding-DNA position 757, C replaced by G.
Protein change: p.Arg253Gly; replaces arginine 253 with glycine.
Molecular consequence: missense variant. On other transcripts: non-coding transcript variant (1).
Genome position (GRCh38, 1-based): chrX:154,420,715, C>G. VCF-style: chrX-154420715-C-G. GRCh37 (hg19) VCF-style: chrX-153649054-C-G.
Other names: p.Arg253Gly; c.769C>G, p.Arg257Gly (NM_001303465.2); c.721C>G, p.Arg241Gly (NM_001410698.1); c.811C>G, p.Arg271Gly (NM_001440856.1); c.679C>G, p.Arg227Gly (NM_001440857.1); c.544C>G, p.Arg182Gly (NM_001440858.1); c.667C>G, p.Arg223Gly (NM_181311.4); c.715C>G, p.Arg239Gly (NM_181312.4); and 1 more; short protein forms R239G, R257G, R271G, R182G, R223G, R227G, R253G, R209G.
Identifiers: ClinVar variation 4542514 (VCV004542514.2).

ClinVar aggregate classification (germline): Uncertain significance. Review status: criteria provided, multiple submitters, no conflicts (2 of 4 stars). 2 submissions from 2 submitters: Uncertain significance (2). Last evaluated 2025-09-11.

Conditions:
3-Methylglutaconic aciduria type 2 (BTHS). Also called: CARDIOSKELETAL MYOPATHY WITH NEUTROPENIA AND ABNORMAL MITOCHONDRIA; Barth syndrome. Identifiers: Orphanet 111, MedGen C0574083, MONDO:0010543, OMIM 302060.

Submissions (2):

Mayo Clinic Laboratories, Mayo Clinic
Classification: Uncertain significance. Last evaluated: 2025-09-11. Review status: criteria provided, single submitter. Criteria: ACMG Guidelines, 2015. Collection method: clinical testing. Allele origin: germline. Observed: 1 variant allele.
Comment: PP3, PM2_supporting

Labcorp Genetics (formerly Invitae), Labcorp
Classification: Uncertain significance for 3-Methylglutaconic aciduria type 2. Last evaluated: 2025-05-02. Review status: criteria provided, single submitter. Criteria: Invitae Variant Classification Sherloc (09022015). Collection method: clinical testing. Allele origin: germline.
Comment: This sequence change replaces arginine, which is basic and polar, with glycine, which is neutral and non-polar, at codon 253 of the TAZ protein (p.Arg253Gly). This variant is not present in population databases (gnomAD no frequency). This variant has not been reported in the literature in individuals affected with TAZ-related conditions. An algorithm developed to predict the effect of missense changes on protein structure and function (PolyPhen-2) suggests that this variant is likely to be tolerated. In summary, the available evidence is currently insufficient to determine the role of this variant in disease. Therefore, it has been classified as a Variant of Uncertain Significance.